The following is an entry in ClinVar:

NM_002227.4(JAK1):c.363C>G (p.Asp121Glu)

Gene: JAK1 (Janus kinase 1; minus strand). Cytogenetic location: 1p31.3.
Variant type: single nucleotide variant.
Coding change: c.363C>G on transcript NM_002227.4 (MANE Select); coding-DNA position 363, C replaced by G.
Protein change: p.Asp121Glu; replaces aspartic acid 121 with glutamic acid.
Molecular consequence: missense variant.
Genome position (GRCh38, 1-based): chr1:64,873,490, G>C on the plus strand (C>G on the coding strand, the complement: JAK1 is on the minus strand). VCF-style: chr1-64873490-G-C. GRCh37 (hg19) VCF-style: chr1-65339173-G-C.
Other names: c.363C>G, p.Asp121Glu (NM_001320923.2, NM_001321852.2, NM_001321853.2 and 4 more transcripts); short protein forms D121E.
Identifiers: ClinVar variation 4809253 (VCV004809253.1).

ClinVar aggregate classification (germline): Uncertain significance (1 of 4 stars; one submission).

Submission:

Labcorp Genetics (formerly Invitae), Labcorp
Classification: Uncertain significance. Last evaluated: 2025-03-24. Review status: criteria provided, single submitter. Criteria: Invitae Variant Classification Sherloc (09022015). Collection method: clinical testing. Allele origin: germline.
Comment: This sequence change replaces aspartic acid, which is acidic and polar, with glutamic acid, which is acidic and polar, at codon 121 of the JAK1 protein (p.Asp121Glu). This variant is not present in population databases (gnomAD no frequency). This variant has not been reported in the literature in individuals affected with JAK1-related conditions. Invitae Evidence Modeling of protein sequence and biophysical properties (such as structural, functional, and spatial information, amino acid conservation, physicochemical variation, residue mobility, and thermodynamic stability) indicates that this missense variant is not expected to disrupt JAK1 protein function with a negative predictive value of 80%. In summary, the available evidence is currently insufficient to determine the role of this variant in disease. Therefore, it has been classified as a Variant of Uncertain Significance.